The following is an entry in ClinVar:

NM_001953.5(TYMP):c.610dup (p.Val204fs)

Gene: TYMP (thymidine phosphorylase; minus strand). Cytogenetic location: 22q13.33.
Variant type: Duplication.
Coding change: c.610dup on transcript NM_001953.5 (MANE Select); coding-DNA position 610, one base duplicated (G; older notation c.610dupG).
Protein change: p.Val204fs; shifts the reading frame from valine 204.
Molecular consequence: frameshift variant.
Genome position (GRCh38, 1-based): chr22:50,527,624, C duplicated on the plus strand (G on the coding strand, the reverse complement: TYMP is on the minus strand). VCF-style (leftmost placement, unchanged base first): chr22-50527623-A-AC. GRCh37 (hg19) VCF-style: chr22-50966052-A-AC.
Other names: c.610dup, p.Val204fs (NM_001113755.3, NM_001113756.3, NM_001257988.1 and 1 more transcripts); short protein forms V204fs.
Identifiers: ClinVar variation 4062472 (VCV004062472.2).

ClinVar aggregate classification (germline): Likely pathogenic (1 of 4 stars; one submission).

Conditions:
Mitochondrial neurogastrointestinal encephalomyopathy. Also called: Mitochondrial neurogastrointestinal encephalopathy syndrome; MNGIE syndrome; Thymidine phosphorylase deficiency. Identifiers: Orphanet 298, MedGen C0872218, MONDO:0017575.

Submission:

Natera, Inc.
Classification: Likely pathogenic for Mitochondrial neurogastrointestinal encephalomyopathy. Last evaluated: 2025-03-31. Review status: criteria provided, single submitter. Criteria: Natera Variant Classification Schema (03/2026). Collection method: clinical testing. Allele origin: germline.
Comment: The c.610dup variant in TYMP is a frameshift variant predicted to shift the reading frame beginning at codon 204 and leads to a stop codon 18 codons downstream. This variant is expected to result in nonsense mediated decay, truncation, or a dysfunctional protein product. This variant is rare in the general population with a frequency below the threshold expected for the associated phenotype(s). Given the available evidence, this variant is classified as Likely Pathogenic.